The following is an entry in ClinVar:

NM_017662.5(TRPM6):c.1851G>A (p.Leu617=)

Gene: TRPM6 (transient receptor potential cation channel subfamily M member 6; minus strand). Cytogenetic location: 9q21.13.
Variant type: single nucleotide variant.
Coding change: c.1851G>A on transcript NM_017662.5 (MANE Select); coding-DNA position 1851, G replaced by A.
Protein change: p.Leu617=; no amino-acid change (leucine 617 retained).
Molecular consequence: synonymous variant.
Genome position (GRCh38, 1-based): chr9:74,802,056, C>T on the plus strand (G>A on the coding strand, the complement: TRPM6 is on the minus strand). VCF-style: chr9-74802056-C-T. GRCh37 (hg19) VCF-style: chr9-77416972-C-T.
Other names: p.Leu617=; c.1836G>A, p.Leu612= (NM_001177310.2, NM_001177311.2).
Identifiers: ClinVar variation 367320 (VCV000367320.18), dbSNP rs11144089, ClinGen allele CA5084708.

ClinVar aggregate classification (germline): Benign/Likely benign. Review status: criteria provided, multiple submitters, no conflicts (2 of 4 stars). 6 submissions from 6 submitters: Benign (5); Likely benign (1). Last evaluated 2026-02-01.

Conditions:
Intestinal hypomagnesemia 1. Also called: HYPOMAGNESEMIA, INTESTINAL, WITH SECONDARY HYPOCALCEMIA; HYPOMAGNESEMIC TETANY. Identifiers: Orphanet 30924, MedGen C1865974, MONDO:0011176, OMIM 602014.

Allele frequency attached by ClinVar (database versions not stated): TOPMed 0.07330; ESP Exome Variant Server 0.07443; gnomAD 0.07757 and 0.07927; 1000 Genomes Project 30x 0.08776; 1000 Genomes Project 0.08926; gnomAD exomes 0.09156 and 0.09590; ExAC 0.09325.

Submissions (6):

Labcorp Genetics (formerly Invitae), Labcorp
Classification: Benign. Last evaluated: 2026-02-01. Review status: criteria provided, single submitter. Criteria: Invitae Variant Classification Sherloc (09022015). Collection method: clinical testing. Allele origin: germline.

Blueprint Genetics
Classification: Likely benign. Last evaluated: 2024-11-27. Review status: criteria provided, single submitter. Criteria: ACMG Guidelines, 2015. Collection method: clinical testing. Allele origin: germline.

Mayo Clinic Laboratories, Mayo Clinic
Classification: Benign. Last evaluated: 2022-03-09. Review status: criteria provided, single submitter. Criteria: ACMG Guidelines, 2015. Collection method: clinical testing. Allele origin: germline. Observed: 24 variant alleles.

GeneDx
Classification: Benign. Last evaluated: 2019-11-26. Review status: criteria provided, single submitter. Criteria: GeneDx Variant Classification Process June 2021. Collection method: clinical testing. Allele origin: germline. Affected: yes.

Illumina Laboratory Services, Illumina
Classification: Benign for Intestinal hypomagnesemia 1. Last evaluated: 2018-01-13. Review status: criteria provided, single submitter. Criteria: ICSL Variant Classification Criteria 13 December 2019. Collection method: clinical testing. Allele origin: germline.
Comment: This variant was observed in the ICSL laboratory as part of a predisposition screen in an ostensibly healthy population. It had not been previously curated by ICSL or reported in the Human Gene Mutation Database (HGMD: prior to June 1st, 2018), and was therefore a candidate for classification through an automated scoring system. Utilizing variant allele frequency, disease prevalence and penetrance estimates, and inheritance mode, an automated score was calculated to assess if this variant is too frequent to cause the disease. Based on the score and internal cut-off values, a variant classified as benign is not then subjected to further curation. The score for this variant resulted in a classification of benign for this disease.

Breakthrough Genomics
Classification: Benign. Review status: criteria provided, single submitter. Criteria: ACMG Guidelines, 2015. Collection method: not provided. Allele origin: germline. Inheritance: Autosomal recessive inheritance. Affected: yes.